The following is an entry in ClinVar:

NM_002693.3(POLG):c.2638G>T (p.Ala880Ser)

Gene: POLG (DNA polymerase gamma, catalytic subunit; minus strand). Cytogenetic location: 15q26.1.
Variant type: single nucleotide variant.
Coding change: c.2638G>T on transcript NM_002693.3 (MANE Select); coding-DNA position 2638, G replaced by T.
Protein change: p.Ala880Ser; replaces alanine 880 with serine.
Molecular consequence: missense variant.
Genome position (GRCh38, 1-based): chr15:89,321,221, C>A on the plus strand (G>T on the coding strand, the complement: POLG is on the minus strand). VCF-style: chr15-89321221-C-A. GRCh37 (hg19) VCF-style: chr15-89864452-C-A.
Other names: c.2638G>T, p.Ala880Ser (NM_001126131.2); short protein forms A880S.
Identifiers: ClinVar variation 1059647 (VCV001059647.9), dbSNP rs760842197, ClinGen allele CA7724390.

ClinVar aggregate classification (germline): Uncertain significance (1 of 4 stars; one submission).

Conditions:
Progressive sclerosing poliodystrophy (MTDPS4A). Also called: NEURONAL DEGENERATION OF CHILDHOOD WITH LIVER DISEASE, PROGRESSIVE; Alpers-Huttenlocher Syndrome (AHS); ALPERS PROGRESSIVE INFANTILE POLIODYSTROPHY; Mitochondrial DNA Depletion Syndrome 4A; Alpers Syndrome; ALPERS DIFFUSE DEGENERATION OF CEREBRAL GRAY MATTER WITH HEPATIC CIRRHOSIS. Identifiers: Orphanet 726, MedGen C0205710, MONDO:0008758, OMIM 203700.

Allele frequency attached by ClinVar (database versions not stated): gnomAD exomes 0.00002 and 0.00004; gnomAD 0.00005; ExAC 0.00008.
gnomAD v4.1: 36 of 1,613,948 alleles (0.0022%); highest among the groups gnomAD compares: South Asian, 0.0022%; no homozygotes.

Submission:

Labcorp Genetics (formerly Invitae), Labcorp
Classification: Uncertain significance for Progressive sclerosing poliodystrophy. Last evaluated: 2025-07-10. Review status: criteria provided, single submitter. Criteria: Invitae Variant Classification Sherloc (09022015). Collection method: clinical testing. Allele origin: germline.
Comment: This sequence change replaces alanine, which is neutral and non-polar, with serine, which is neutral and polar, at codon 880 of the POLG protein (p.Ala880Ser). This variant is present in population databases (rs760842197, gnomAD 0.03%). This variant has not been reported in the literature in individuals affected with POLG-related conditions. ClinVar contains an entry for this variant (Variation ID: 1059647). Invitae Evidence Modeling of protein sequence and biophysical properties (such as structural, functional, and spatial information, amino acid conservation, physicochemical variation, residue mobility, and thermodynamic stability) indicates that this missense variant is expected to disrupt POLG protein function with a positive predictive value of 95%. In summary, the available evidence is currently insufficient to determine the role of this variant in disease. Therefore, it has been classified as a Variant of Uncertain Significance.